The following is an entry in ClinVar:

ClinVar aggregate classification (germline): Conflicting classifications of pathogenicity. Review status: criteria provided, conflicting classifications (1 of 4 stars). 3 submissions from 3 submitters: Uncertain significance (1); Likely benign (1). 1 of the submissions does not count toward it. Last evaluated 2025-02-26.

Conditions:
TMEM138-related disorder. Also called: TMEM138-related condition.
Joubert syndrome 16 (JBTS16). Identifiers: Orphanet 2318, MedGen C3280906, MONDO:0013764, OMIM 614465.

Allele frequency attached by ClinVar (database versions not stated): gnomAD 0.00003 and 0.00004; ExAC 0.00005; gnomAD exomes 0.00005 and 0.00006; TOPMed 0.00005.
gnomAD v4.1: 74 of 1,597,438 alleles (0.0046%); highest among the groups gnomAD compares: Non-Finnish European, 0.0062%; no homozygotes.

Submissions (3):

Labcorp Genetics (formerly Invitae), Labcorp
Classification: Uncertain significance for Joubert syndrome 16. Last evaluated: 2025-02-26. Review status: criteria provided, single submitter. Criteria: Invitae Variant Classification Sherloc (09022015). Collection method: clinical testing. Allele origin: germline.
Comment: This sequence change falls in intron 4 of the TMEM138 gene. It does not directly change the encoded amino acid sequence of the TMEM138 protein. It affects a nucleotide within the consensus splice site. This variant is present in population databases (rs774110963, gnomAD 0.01%). This variant has not been reported in the literature in individuals affected with TMEM138-related conditions. ClinVar contains an entry for this variant (Variation ID: 1351401). Variants that disrupt the consensus splice site are a relatively common cause of aberrant splicing (PMID: 17576681, 9536098). Algorithms developed to predict the effect of sequence changes on RNA splicing suggest that this variant is not likely to affect RNA splicing. In summary, the available evidence is currently insufficient to determine the role of this variant in disease. Therefore, it has been classified as a Variant of Uncertain Significance.

Blueprint Genetics
Classification: Likely benign. Last evaluated: 2024-08-07. Review status: criteria provided, single submitter. Criteria: ACMG Guidelines, 2015. Collection method: clinical testing. Allele origin: germline.

PreventionGenetics, part of Exact Sciences
Classification: Likely benign for TMEM138-related condition. Last evaluated: 2020-02-20. Review status: no assertion criteria provided. Collection method: clinical testing. Allele origin: germline. Not counted in ClinVar's aggregate classification.
Comment: This variant is classified as likely benign based on ACMG/AMP sequence variant interpretation guidelines (Richards et al. 2015 PMID: 25741868, with internal and published modifications).

Literature cited by the submitters: PubMed 17576681 (cited by Labcorp Genetics (formerly Invitae), Labcorp); PubMed 9536098 (cited by Labcorp Genetics (formerly Invitae), Labcorp).

NM_016464.5(TMEM138):c.377-3C>T

Gene: TMEM138 (transmembrane protein 138; plus strand). Cytogenetic location: 11q12.2.
Variant type: single nucleotide variant.
Coding change: c.377-3C>T on transcript NM_016464.5 (MANE Select); 3 bases into the intron before coding-DNA position 377, C replaced by T.
Molecular consequence: intron variant.
Genome position (GRCh38, 1-based): chr11:61,368,594, C>T. VCF-style: chr11-61368594-C-T. GRCh37 (hg19) VCF-style: chr11-61136066-C-T.
Other names: c.377-3C>T (NM_016464.4); c.203-3C>T (NM_001330281.2).
Identifiers: ClinVar variation 1351401 (VCV001351401.7), dbSNP rs774110963, ClinGen allele CA6034645.